The following is an entry in ClinVar:

NM_016333.4(SRRM2):c.227T>C (p.Met76Thr)

Gene: SRRM2 (serine/arginine repetitive matrix 2; plus strand). Cytogenetic location: 16p13.3.
Variant type: single nucleotide variant.
Coding change: c.227T>C on transcript NM_016333.4 (MANE Select); coding-DNA position 227, T replaced by C.
Protein change: p.Met76Thr; replaces methionine 76 with threonine.
Molecular consequence: missense variant.
Genome position (GRCh38, 1-based): chr16:2,756,591, T>C. VCF-style: chr16-2756591-T-C. GRCh37 (hg19) VCF-style: chr16-2806592-T-C.
Other names: short protein forms M76T.
Identifiers: ClinVar variation 3372339 (VCV003372339.1).
Genomic context (GRCh38, chr16:2,756,591, plus strand): 5'-ACATCCTGGACCACGAGCGCAAGCGGCGCGTCGAGCTGCGATGCCTCGAGCTGGAGGAGA[T>C]GATGGAAGAGCAGGGGTGAGGGAGAGCTGGGGGAGAGTCAAGCACTGAATGAGTGCAGAG-3'
Protein context (NP_057417.3, residues 66-86): VELRCLELEE[Met76Thr]MEEQGYEEQQ

ClinVar aggregate classification (germline): Uncertain significance (1 of 4 stars; one submission).

Submission:

GeneDx
Classification: Uncertain significance. Last evaluated: 2024-04-15. Review status: criteria provided, single submitter. Criteria: GeneDx Variant Classification Process June 2021. Collection method: clinical testing. Allele origin: germline. Affected: yes.
Comment: Not observed at significant frequency in large population cohorts (gnomAD); In silico analysis indicates that this missense variant does not alter protein structure/function; Has not been previously published as pathogenic or benign to our knowledge